The following is an entry in ClinVar:

ClinVar aggregate classification (germline): Benign. Review status: criteria provided, multiple submitters, no conflicts (2 of 4 stars). 2 submissions from 2 submitters: Benign (2). Last evaluated 2018-06-14.

Allele frequency attached by ClinVar (database versions not stated): 1000 Genomes Project 0.44129; 1000 Genomes Project 30x 0.44332; ESP Exome Variant Server 0.34550; ExAC 0.36864; TOPMed 0.38197.
gnomAD v4.1: 233,246 of 775,898 alleles (30%); highest among the groups gnomAD compares: African/African-American, 58%; 40,966 homozygotes.

Submissions (2):

GeneDx
Classification: Benign. Last evaluated: 2018-06-14. Review status: criteria provided, single submitter. Criteria: GeneDx Variant Classification (06012015). Collection method: clinical testing. Allele origin: germline. Affected: yes.
Comment: This variant is considered likely benign or benign based on one or more of the following criteria: it is a conservative change, it occurs at a poorly conserved position in the protein, it is predicted to be benign by multiple in silico algorithms, and/or has population frequency not consistent with disease.

Breakthrough Genomics
Classification: Benign. Review status: criteria provided, single submitter. Criteria: ACMG Guidelines, 2015. Collection method: not provided. Allele origin: germline. Inheritance: Autosomal recessive inheritance. Affected: yes.

NM_022124.6(CDH23):c.3369+312C>T

Genes: C10orf105 (chromosome 10 open reading frame 105; minus strand), CDH23 (cadherin related 23; plus strand). Cytogenetic location: 10q22.1.
Variant type: single nucleotide variant.
Coding change: c.3369+312C>T on transcript NM_022124.6 (MANE Select); 312 bases into the intron after coding-DNA position 3369, C replaced by T.
Molecular consequence: intron variant. On other transcripts: 3 prime UTR variant (2).
Genome position (GRCh38, 1-based): chr10:71,713,125, C>T. VCF-style: chr10-71713125-C-T. GRCh37 (hg19) VCF-style: chr10-73472882-C-T.
Other names: c.*2811G>A (NM_001164375.3, NM_001168390.2); c.3369+312C>T (NM_001171930.2).
Identifiers: ClinVar variation 680504 (VCV000680504.3), dbSNP rs2166631, ClinGen allele CA5544589.
Genomic context (GRCh38, chr10:71,713,125, plus strand): 5'-CCCCCTGCATATCTCCCGCCCCACCCAGAAGGGCCTTTCAGAGTAGCGGGGAGAAAGAGA[C>T]GTCACAATTTCCCGGAAAGGAGTTGAGAAGAGAGCCAGGGCCCAGCAAGGCCCAGAACAG-3'